The following is an entry in ClinVar:

ClinVar aggregate classification (germline): Uncertain significance (1 of 4 stars; one submission).

Submission:

Ambry Genetics
Classification: Uncertain significance. Last evaluated: 2024-06-14. Review status: criteria provided, single submitter. Criteria: Ambry Variant Classification Scheme 2023. Collection method: clinical testing. Allele origin: germline.
Comment: The p.F2534V variant (also known as c.7600T>G), located in coding exon 29 of the POLQ gene, results from a T to G substitution at nucleotide position 7600. The phenylalanine at codon 2534 is replaced by valine, an amino acid with highly similar properties. This amino acid position is conserved. In addition, this alteration is predicted to be deleterious by in silico analysis. Since supporting evidence is limited at this time, the clinical significance of this alteration remains unclear.

NM_199420.4(POLQ):c.7600T>G (p.Phe2534Val)

Gene: POLQ (DNA polymerase theta; minus strand). Cytogenetic location: 3q13.33.
Variant type: single nucleotide variant.
Coding change: c.7600T>G on transcript NM_199420.4 (MANE Select); coding-DNA position 7600, T replaced by G.
Protein change: p.Phe2534Val; replaces phenylalanine 2534 with valine.
Molecular consequence: missense variant.
Genome position (GRCh38, 1-based): chr3:121,432,977, A>C on the plus strand (T>G on the coding strand, the complement: POLQ is on the minus strand). VCF-style: chr3-121432977-A-C. GRCh37 (hg19) VCF-style: chr3-121151824-A-C.
Other names: short protein forms F2534V.
Identifiers: ClinVar variation 1759763 (VCV001759763.3), dbSNP rs2546744881, ClinGen allele CA354093787.
Genomic context (GRCh38, chr3:121,432,977, plus strand): 5'-CCTGAACAACATCTTCTTCTGCCACTTCATATAGGAGTTCATCATGGAGTTGAAGGATGA[A>C]GAAGCCTCCTCTGATTGGGCAGAACATCCCTTGCAGTTTTCTCTTTCGTGACAATCCTAC-3'
Protein context (NP_955452.3, residues 2524-2544): GMFCPIRGGF[Phe2534Val]ILQLHDELLY